The following is an entry in ClinVar:

NM_003803.4(MYOM1):c.3562A>G (p.Ser1188Gly)

Gene: MYOM1 (myomesin 1; minus strand). Cytogenetic location: 18p11.31.
Variant type: single nucleotide variant.
Coding change: c.3562A>G on transcript NM_003803.4 (MANE Select); coding-DNA position 3562, A replaced by G.
Protein change: p.Ser1188Gly; replaces serine 1188 with glycine.
Molecular consequence: missense variant.
Genome position (GRCh38, 1-based): chr18:3,102,487, T>C on the plus strand (A>G on the coding strand, the complement: MYOM1 is on the minus strand). VCF-style: chr18-3102487-T-C. GRCh37 (hg19) VCF-style: chr18-3102485-T-C.
Other names: c.3274A>G, p.Ser1092Gly (NM_019856.2); short protein forms S1092G, S1188G.
Identifiers: ClinVar variation 1034668 (VCV001034668.6), dbSNP rs2079392310, ClinGen allele CA401703175.
Genomic context (GRCh38, chr18:3,102,487, plus strand): 5'-CCTACAGTGAAAAGGAAACCCATGATTGTGATTGACATAGTCCTTACTTGTTGCCCTTGC[T>C]TTCGACTTCCAATCGTGGAGAGTCCTCAGTGGATACATAATCTTTGGACCAGGAGAACTC-3'
Protein context (NP_003794.3, residues 1178-1198): TEDSPRLEVE[Ser1188Gly]KGNKTKMTFK

ClinVar aggregate classification (germline): Uncertain significance (1 of 4 stars; one submission).

Conditions:
Hypertrophic cardiomyopathy. Also called: HYPERTROPHIC MYOCARDIOPATHY. Identifiers: Orphanet 217569, MedGen C0007194, MeSH D002312, MONDO:0005045, HP:0001639.

Submission:

Labcorp Genetics (formerly Invitae), Labcorp
Classification: Uncertain significance for Hypertrophic cardiomyopathy. Last evaluated: 2021-09-08. Review status: criteria provided, single submitter. Criteria: Invitae Variant Classification Sherloc (09022015). Collection method: clinical testing. Allele origin: germline.
Comment: This sequence change replaces serine with glycine at codon 1188 of the MYOM1 protein (p.Ser1188Gly). The serine residue is weakly conserved and there is a small physicochemical difference between serine and glycine. This variant is not present in population databases (ExAC no frequency). This variant has not been reported in the literature in individuals affected with MYOM1-related conditions. Algorithms developed to predict the effect of missense changes on protein structure and function (SIFT, PolyPhen-2, Align-GVGD) all suggest that this variant is likely to be tolerated. In summary, the available evidence is currently insufficient to determine the role of this variant in disease. Therefore, it has been classified as a Variant of Uncertain Significance.